The following is an entry in ClinVar:

ClinVar aggregate classification (germline): Uncertain significance (1 of 4 stars; one submission).

gnomAD v4.1: 1 of 1,612,472 alleles (0.000062%); highest among the groups gnomAD compares: African/African-American, 0.0013%; no homozygotes.

Submission:

Labcorp Genetics (formerly Invitae), Labcorp
Classification: Uncertain significance. Last evaluated: 2025-07-03. Review status: criteria provided, single submitter. Criteria: Invitae Variant Classification Sherloc (09022015). Collection method: clinical testing. Allele origin: germline.
Comment: This sequence change replaces serine, which is neutral and polar, with threonine, which is neutral and polar, at codon 3646 of the KMT2A protein (p.Ser3646Thr). This variant is present in population databases (rs781948266, gnomAD 0.007%). This variant has not been reported in the literature in individuals affected with KMT2A-related conditions. Invitae Evidence Modeling of protein sequence and biophysical properties (such as structural, functional, and spatial information, amino acid conservation, physicochemical variation, residue mobility, and thermodynamic stability) indicates that this missense variant is not expected to disrupt KMT2A protein function with a negative predictive value of 95%. In summary, the available evidence is currently insufficient to determine the role of this variant in disease. Therefore, it has been classified as a Variant of Uncertain Significance.

NM_001197104.2(KMT2A):c.10937G>C (p.Ser3646Thr)

Gene: KMT2A (lysine methyltransferase 2A; plus strand). Cytogenetic location: 11q23.3.
Variant type: single nucleotide variant.
Coding change: c.10937G>C on transcript NM_001197104.2 (MANE Select); coding-DNA position 10937, G replaced by C.
Protein change: p.Ser3646Thr; replaces serine 3646 with threonine.
Molecular consequence: missense variant.
Genome position (GRCh38, 1-based): chr11:118,509,984, G>C. VCF-style: chr11-118509984-G-C. GRCh37 (hg19) VCF-style: chr11-118380699-G-C.
Other names: c.11027G>C, p.Ser3676Thr (NM_001412597.1); c.10928G>C, p.Ser3643Thr (NM_005933.4); short protein forms S3676T, S3643T, S3646T.
Identifiers: ClinVar variation 4768212 (VCV004768212.1).